The following is an entry in ClinVar:

ClinVar aggregate classification (germline): Conflicting classifications of pathogenicity. Review status: criteria provided, conflicting classifications (1 of 4 stars). 3 submissions from 3 submitters: Uncertain significance (2); Likely benign (1). Last evaluated 2025-04-16.

Conditions:
Inborn genetic diseases. Identifiers: MedGen C0950123, MeSH D030342.

Allele frequency attached by ClinVar (database versions not stated): gnomAD exomes 0.00001; ExAC 0.00003; TOPMed 0.00005; ESP Exome Variant Server 0.00008; gnomAD 0.00008; 1000 Genomes Project 30x 0.00062; 1000 Genomes Project 0.00080.
gnomAD v4.1: 30 of 1,606,102 alleles (0.0019%); highest among the groups gnomAD compares: African/African-American, 0.021%; no homozygotes.

Submissions (3):

GeneDx
Classification: Uncertain significance. Last evaluated: 2025-04-16. Review status: criteria provided, single submitter. Criteria: GeneDx Variant Classification Process June 2021. Collection method: clinical testing. Allele origin: germline.
Comment: In silico analysis indicates that this missense variant does not alter protein structure/function; Has not been previously published as pathogenic or benign to our knowledge

Labcorp Genetics (formerly Invitae), Labcorp
Classification: Likely benign. Last evaluated: 2024-02-11. Review status: criteria provided, single submitter. Criteria: Invitae Variant Classification Sherloc (09022015). Collection method: clinical testing. Allele origin: germline.

Ambry Genetics
Classification: Uncertain significance for Inborn genetic diseases. Last evaluated: 2023-12-18. Review status: criteria provided, single submitter. Criteria: Ambry Variant Classification Scheme 2023. Collection method: clinical testing. Allele origin: germline.

NM_016239.4(MYO15A):c.8824C>T (p.Arg2942Cys)

Gene: MYO15A (myosin XVA; plus strand). Cytogenetic location: 17p11.2.
Variant type: single nucleotide variant.
Coding change: c.8824C>T on transcript NM_016239.4 (MANE Select); coding-DNA position 8824, C replaced by T.
Protein change: p.Arg2942Cys; replaces arginine 2942 with cysteine.
Molecular consequence: missense variant.
Genome position (GRCh38, 1-based): chr17:18,157,757, C>T. VCF-style: chr17-18157757-C-T. GRCh37 (hg19) VCF-style: chr17-18061071-C-T.
Other names: c.8824C>T (NM_016239.3); short protein forms R2942C.
Identifiers: ClinVar variation 2418359 (VCV002418359.9), dbSNP rs199820816, ClinGen allele CA8425283.
Genomic context (GRCh38, chr17:18,157,757, plus strand): 5'-CCTCAGACCTTTTACCCACCCCTAGGCTGGAGGTTCGGGACCATCCACGGGCGCGTGGGC[C>T]GCTTCCCTTCGGAGCTGGTGCAGCCCGCTGCTGCCCCCGACTTCCTGCAGCTGCCAACGG-3'
Protein context (NP_057323.3, residues 2932-2952): RFGTIHGRVG[Arg2942Cys]FPSELVQPAA